The following is an entry in ClinVar:

ClinVar aggregate classification (germline): Uncertain significance (1 of 4 stars; one submission).

Conditions:
Fanconi anemia complementation group O. Also called: RAD51C-Related Fanconi Anemia. Identifiers: Orphanet 84, MedGen C3150653, MONDO:0013248, OMIM 613390.

Submission:

Labcorp Genetics (formerly Invitae), Labcorp
Classification: Uncertain significance for Fanconi anemia complementation group O. Last evaluated: 2017-06-13. Review status: criteria provided, single submitter. Criteria: Invitae Variant Classification Sherloc (09022015). Collection method: clinical testing. Allele origin: germline.
Comment: In summary, this variant has uncertain impact on RAD51C function. The available evidence is currently insufficient to determine its role in disease. Therefore, it has been classified as a Variant of Uncertain Significance. Algorithms developed to predict the effect of missense changes on protein structure and function (SIFT, PolyPhen-2, Align-GVGD) all suggest that this variant is likely to be tolerated, but these predictions have not been confirmed by published functional studies and their clinical significance is uncertain. This variant has not been reported in the literature in individuals with a RAD51C-related disease. This variant is not present in population databases (ExAC no frequency). This sequence change replaces proline with alanine at codon 73 of the RAD51C protein (p.Pro73Ala). The proline residue is moderately conserved and there is a small physicochemical difference between proline and alanine.

NM_058216.3(RAD51C):c.217C>G (p.Pro73Ala)

Gene: RAD51C (RAD51 paralog C; plus strand). Cytogenetic location: 17q22.
Variant type: single nucleotide variant.
Coding change: c.217C>G on transcript NM_058216.3 (MANE Select); coding-DNA position 217, C replaced by G.
Protein change: p.Pro73Ala; replaces proline 73 with alanine.
Molecular consequence: missense variant. On other transcripts: non-coding transcript variant (2).
Genome position (GRCh38, 1-based): chr17:58,695,002, C>G. VCF-style: chr17-58695002-C-G. GRCh37 (hg19) VCF-style: chr17-56772363-C-G.
Other names: c.217C>G, p.Pro73Ala (NM_002876.4); short protein forms P73A.
Identifiers: ClinVar variation 471439 (VCV000471439.8), dbSNP rs1555593541, ClinGen allele CA400340120.